The following is an entry in ClinVar:

NM_000489.6(ATRX):c.536A>G (p.Asn179Ser)

Gene: ATRX (ATRX chromatin remodeler; minus strand). Cytogenetic location: Xq21.1.
Variant type: single nucleotide variant.
Coding change: c.536A>G on transcript NM_000489.6 (MANE Select); coding-DNA position 536, A replaced by G.
Protein change: p.Asn179Ser; replaces asparagine 179 with serine.
Molecular consequence: missense variant.
Genome position (GRCh38, 1-based): chrX:77,688,876, T>C on the plus strand (A>G on the coding strand, the complement: ATRX is on the minus strand). VCF-style: chrX-77688876-T-C. GRCh37 (hg19) VCF-style: chrX-76944369-T-C.
Other names: NM_000489.5(ATRX):c.536A>G; c.422A>G, p.Asn141Ser (NM_138270.5); short protein forms N179S, N141S.
Identifiers: ClinVar variation 93141 (VCV000093141.10), dbSNP rs398123425, ClinGen allele CA220995.

ClinVar aggregate classification (germline): Pathogenic/Likely pathogenic. Review status: criteria provided, multiple submitters, no conflicts (2 of 4 stars). 7 submissions from 7 submitters: Pathogenic (6); Likely pathogenic (1). Last evaluated 2023-04-03.

Conditions:
ATRX-related disorder. Also called: ATRX-related condition.
Intellectual disability-hypotonic facies syndrome, X-linked, 1 (MRXHF1). Also called: Smith Fineman Myers syndrome 1; CHUDLEY-LOWRY SYNDROME; Chudley syndrome 1; Chudley-Lowry-Hoar syndrome; Carpenter-Waziri syndrome; XLMR-HYPOTONIC FACIES SYNDROME. Identifiers: Orphanet 73220, Orphanet 93970, Orphanet 93971, Orphanet 93972, Orphanet 93973, Orphanet 93974, Orphanet 93975, MedGen C4759781, MONDO:0010663, OMIM 309580.
Alpha thalassemia-X-linked intellectual disability syndrome (ATRX). Also called: ALPHA-THALASSEMIA/MENTAL RETARDATION SYNDROME, X-LINKED; ATR-X syndrome; Alpha thalassemia mental retardation syndrome, nondeletion type, X-linked; XLMR hypotonic face syndrome; ATR, NONDELETION TYPE; X-linked alpha-thalassemia-mental retardation syndrome. Identifiers: Orphanet 847, MedGen C1845055, MONDO:0010519, OMIM 301040.

Submissions (7):

Blueprint Genetics
Classification: Pathogenic for ATRX-related disorders. Last evaluated: 2023-04-03. Review status: criteria provided, single submitter. Criteria: ACMG Guidelines, 2015. Collection method: clinical testing. Allele origin: germline. Affected: yes. Observed: 3 variant alleles.

Broad Center for Mendelian Genomics, Broad Institute of MIT and Harvard
Classification: Likely pathogenic for Intellectual disability-hypotonic facies syndrome, X-linked, 1. Last evaluated: 2022-05-04. Review status: criteria provided, single submitter. Criteria: ACMG Guidelines, 2015. Collection method: curation. Allele origin: germline. Inheritance: X-linked inheritance.
Comment: The hemizygous p.Asn179Ser variant in ATRX was identified by our study in 3 siblings with x-linked mental retardation-hypotonic facies syndrome. This variant is assumed de novo in 1 individual, but maternity and paternity have not been confirmed (PMID: 16813605). The variant has been reported in at least 5 individuals of Japanese and unknown ethnicity with x-linked mental retardation-hypotonic facies syndrome (PMID: 16813605, 10995512, 8968741, 25252072, 33229608), but was absent from large population studies. This variant has also been reported in ClinVar (Variation ID: 93141) as pathogenic by GeneDx, HudsonAlpha Institute for Biotechnology, and EGL Genetic Diagnostics, Eurofins Clinical Diagnostics. In vitro functional studies provide some evidence that the p.Asn179Ser variant may slightly impact protein function (PMID: 8968741). However, these types of assays may not accurately represent biological function. Computational prediction tools and conservation analyses suggest that this variant may impact the protein, though this information is not predictive enough to determine pathogenicity. The number of missense variants reported in ATRX in the general population is lower than expected, suggesting there is little benign variation in this gene and slightly increasing the possibility that a missense variant in this gene may not be tolerated. In summary, although additional studies are required to fully establish its clinical significance, this variant is likely pathogenic. ACMG/AMP Criteria applied: PM2, PM6, PP2, PP3, PS4_supporting, PS3_supporting (Richards 2015).

3billion
Classification: Pathogenic for Alpha thalassemia-X-linked intellectual disability syndrome. Last evaluated: 2022-03-22. Review status: criteria provided, single submitter. Criteria: ACMG Guidelines, 2015. Collection method: clinical testing. Allele origin: germline. Affected: yes. Observed: 1 hemizygote.
Comment: Same or different nucleotide change resulting in same amino acid change has been previously reported as pathogenic/likely pathogenic with strong evidence (ClinVar ID: VCV000093141, PMID:10995512). The variant has been observed in multiple (>3) similarly affected unrelated individuals (PMID: 16813605). In silico tool predictions suggest damaging effect of the variant on gene or gene product (REVEL: 0.745>=0.6, SPLICEAI: 0.68). A missense variant is a common mechanism . It is not observed in the gnomAD v2.1.1 dataset. Therefore, this variant is classified as pathogenic according to the recommendation of ACMG/AMP guideline.

HudsonAlpha Institute for Biotechnology
Classification: Pathogenic for Intellectual disability-hypotonic facies syndrome, X-linked, 1. Last evaluated: 2019-06-25. Review status: criteria provided, single submitter. Criteria: ACMG Guidelines, 2015. Collection method: research. Allele origin: maternal. Affected: yes. Observed: 1 variant allele. Study: HudsonAlpha-AGHI-WGS.

Institute of Human Genetics, University of Leipzig Medical Center
Classification: Pathogenic for Alpha thalassemia-X-linked intellectual disability syndrome. Last evaluated: 2019-01-01. Review status: criteria provided, single submitter. Criteria: ACMG Guidelines, 2015. Collection method: clinical testing. Allele origin: unknown. Affected: yes.

GeneDx
Classification: Pathogenic. Last evaluated: 2016-06-02. Review status: criteria provided, single submitter. Criteria: GeneDx Variant Classification (06012015). Collection method: clinical testing. Allele origin: germline. Affected: yes.
Comment: The c.536 A>G pathogenic variant in the ATRX gene has been reported previously in association with ATRX-related disorders (Picketts et al., 1996; Badens et al., 2006; Wada et al., 2000). It was not observed in approximately 6,500 individuals of European and African American ancestry in the NHLBI Exome Sequencing Project, indicating it is not a common benign variant in these populations. Functional studies indicate that c.536 A>G creates a cryptic splice donor site, leading to a deletion of 63 nucleotides (reported as A751G using alternate nomenclature in Villard et al., 1997; reported as A869G using alternate nomenclature in Picketts et al., 1996). This substitution occurs in the ADD domain and pathogenic variants affecting this domain are presumed to have structural consequences on the ATRX protein and impact histone methylation (Argentaro et al., 2007; Iwase et al., 2011; Stenson et al., 2014).

Eurofins Ntd Llc (ga)
Classification: Pathogenic. Last evaluated: 2014-02-03. Review status: criteria provided, single submitter. Criteria: EGL Classification Definitions 2015. Collection method: clinical testing. Allele origin: germline. Observed: 6 variant alleles, 3 heterozygotes, 1 homozygote, 3 hemizygotes.

Literature cited by the submitters: PubMed 16813605 (cited by 3billion and Eurofins Ntd Llc (ga)); PubMed 10995512 (cited by 3billion and Eurofins Ntd Llc (ga)); PubMed 18409179 (cited by Eurofins Ntd Llc (ga)); PubMed 8968741 (cited by Eurofins Ntd Llc (ga)); PubMed 9244431 (cited by Eurofins Ntd Llc (ga)).